The following is an entry in ClinVar:

NM_001077365.2(POMT1):c.913G>A (p.Val305Ile)

Gene: POMT1 (protein O-mannosyltransferase 1; plus strand). Cytogenetic location: 9q34.13.
Variant type: single nucleotide variant.
Coding change: c.913G>A on transcript NM_001077365.2 (MANE Select); coding-DNA position 913, G replaced by A.
Protein change: p.Val305Ile; replaces valine 305 with isoleucine.
Molecular consequence: missense variant. On other transcripts: non-coding transcript variant (10).
Genome position (GRCh38, 1-based): chr9:131,511,394, G>A. VCF-style: chr9-131511394-G-A. GRCh37 (hg19) VCF-style: chr9-134386781-G-A.
Other names: c.751G>A, p.Val251Ile (NM_001077366.2, NM_001353194.2, NM_001374693.1); c.913G>A, p.Val305Ile (NM_001136113.2, NM_001374690.1); c.562G>A, p.Val188Ile (NM_001136114.2, NM_001353195.2, NM_001374691.1 and 1 more transcripts); c.979G>A, p.Val327Ile (NM_001353193.2, NM_007171.4); c.823G>A, p.Val275Ile (NM_001353196.2); c.817G>A, p.Val273Ile (NM_001353197.2, NM_001353198.2); c.628G>A, p.Val210Ile (NM_001353199.2); c.457G>A, p.Val153Ile (NM_001353200.2); and 2 more; short protein forms V327I, V275I, V153I, V188I, V210I, V251I, V273I, V305I.
Identifiers: ClinVar variation 95471 (VCV000095471.35), dbSNP rs4740164, ClinGen allele CA148561.
Genomic context (GRCh38, chr9:131,511,394, plus strand): 5'-CAGGGAGGACTAGCTCGGATCACTCAGGGTCAGCCACTGGAGGTGGCCTTTGGGTCCCAG[G>A]TCACTCTGAGGAACGTCTTTGGGAAACCTGTGCCCTGCTGGCTTCATTCCCACCAGGACA-3'
Protein context (NP_001070833.1, residues 295-315): QPLEVAFGSQ[Val305Ile]TLRNVFGKPV

ClinVar aggregate classification (germline): Benign/Likely benign. Review status: criteria provided, multiple submitters, no conflicts (2 of 4 stars). 17 submissions from 15 submitters: Benign (11); Likely benign (2). 4 of the submissions do not count toward it. Last evaluated 2026-02-04.

Conditions:
Walker-Warburg congenital muscular dystrophy. Also called: Muscular dystrophy-dystroglycanopathy, type A; Walker-Warburg syndrome. Identifiers: Orphanet 899, MedGen C0265221, MONDO:0000171.
Autosomal recessive limb-girdle muscular dystrophy type 2K. Also called: MUSCULAR DYSTROPHY, LIMB-GIRDLE, TYPE 2K; MUSCULAR DYSTROPHY-DYSTROGLYCANOPATHY (LIMB-GIRDLE), TYPE C, 1. Identifiers: Orphanet 86812, MedGen C1836373, MONDO:0012248, OMIM 609308.
Muscular dystrophy-dystroglycanopathy (congenital with impaired intellectual development), type B, 1. Also called: MUSCULAR DYSTROPHY, CONGENITAL, POMT1-RELATED; Muscular dystrophy-dystroglycanopathy (congenital with intellectual disability), type B1. Identifiers: MedGen C5436962, MONDO:0013159, OMIM 613155.
Muscular dystrophy-dystroglycanopathy (congenital with brain and eye anomalies), type A1 (MDDGA1). Also called: COD-MD SYNDROME; WALKER-WARBURG SYNDROME OR MUSCLE-EYE-BRAIN DISEASE, POMT1-RELATED; Hydrocephalus, agyria and retinal dysplasia; Hard +/- E syndrome; Warburg syndrome; Chemke syndrome. Identifiers: Orphanet 588, Orphanet 899, MedGen C4284790, MONDO:0009364, OMIM 236670.

Allele frequency attached by ClinVar (database versions not stated): TOPMed 0.05136; gnomAD exomes 0.05674 and 0.04670; ESP Exome Variant Server 0.03775; 1000 Genomes Project 0.05252; ExAC 0.05330; gnomAD 0.04243 and 0.04317; 1000 Genomes Project 30x 0.05325.
gnomAD v4.1: 75,315 of 1,614,046 alleles (4.7%); highest among the groups gnomAD compares: Admixed American, 13%; 2,249 homozygotes.

Submissions (17):

Labcorp Genetics (formerly Invitae), Labcorp
Classification: Benign for Muscular dystrophy-dystroglycanopathy (congenital with impaired intellectual development), type B, 1; Walker-Warburg congenital muscular dystrophy; Autosomal recessive limb-girdle muscular dystrophy type 2K. Last evaluated: 2026-02-04. Review status: criteria provided, single submitter. Criteria: Invitae Variant Classification Sherloc (09022015). Collection method: clinical testing. Allele origin: germline.

Blueprint Genetics
Classification: Benign. Last evaluated: 2024-11-27. Review status: criteria provided, single submitter. Criteria: ACMG Guidelines, 2015. Collection method: clinical testing. Allele origin: germline.

Genome-Nilou Lab
Classification: Benign for Muscular dystrophy-dystroglycanopathy (congenital with brain and eye anomalies), type A1. Last evaluated: 2021-10-25. Review status: criteria provided, single submitter. Criteria: ACMG Guidelines, 2015. Collection method: clinical testing. Allele origin: germline. Affected: no.

Genome-Nilou Lab
Classification: Benign for Muscular dystrophy-dystroglycanopathy (congenital with impaired intellectual development), type B, 1. Last evaluated: 2021-10-25. Review status: criteria provided, single submitter. Criteria: ACMG Guidelines, 2015. Collection method: clinical testing. Allele origin: germline. Affected: no.

Genome-Nilou Lab
Classification: Benign for Autosomal recessive limb-girdle muscular dystrophy type 2K. Last evaluated: 2021-10-25. Review status: criteria provided, single submitter. Criteria: ACMG Guidelines, 2015. Collection method: clinical testing. Allele origin: germline. Affected: no.

Athena Diagnostics
Classification: Benign. Last evaluated: 2021-03-18. Review status: criteria provided, single submitter. Criteria: Athena Diagnostics Criteria. Collection method: clinical testing. Allele origin: unknown.

Mayo Clinic Laboratories, Mayo Clinic
Classification: Benign. Last evaluated: 2018-12-31. Review status: criteria provided, single submitter. Criteria: ACMG Guidelines, 2015. Collection method: clinical testing. Allele origin: germline. Observed: 128 variant alleles.

Illumina Laboratory Services, Illumina
Classification: Likely benign for Autosomal recessive limb-girdle muscular dystrophy type 2K. Last evaluated: 2017-04-27. Review status: criteria provided, single submitter. Criteria: ICSL Variant Classification Criteria 13 December 2019. Collection method: clinical testing. Allele origin: germline.
Comment: This variant was observed as part of a predisposition screen in an ostensibly healthy population. A literature search was performed for the gene, cDNA change, and amino acid change (where applicable). Publications were found based on this search. The evidence from the literature, in combination with allele frequency data from public databases where available, was sufficient to determine this variant is unlikely to cause disease. Therefore, this variant is classified as likely benign.

GeneDx
Classification: Benign. Last evaluated: 2015-03-03. Review status: criteria provided, single submitter. Criteria: GeneDx Variant Classification Process June 2021. Collection method: clinical testing. Allele origin: germline. Affected: yes.

Laboratory for Molecular Medicine, Mass General Brigham Personalized Medicine
Classification: Benign. Last evaluated: 2015-01-13. Review status: criteria provided, single submitter. Criteria: LMM Criteria. Collection method: clinical testing. Allele origin: germline. Observed: 1 variant allele.
Comment: p.Val327Ile in exon 10 of POMT1: This variant is not expected to have clinical s ignificance because it has been identified in 4.6% (399/8600) of European Americ an chromosomes by the NHLBI Exome Sequencing Project (du/EVS/; dbSNP rs4740164).

Eurofins Ntd Llc (ga)
Classification: Benign. Last evaluated: 2012-11-02. Review status: criteria provided, single submitter. Criteria: EGL Classification Definitions 2015. Collection method: clinical testing. Allele origin: germline. Observed: 8 variant alleles, 7 heterozygotes, 1 homozygote.

Breakthrough Genomics
Classification: Likely benign. Review status: criteria provided, single submitter. Criteria: ACMG Guidelines, 2015. Collection method: not provided. Allele origin: germline. Inheritance: Autosomal recessive inheritance. Affected: yes.

PreventionGenetics, part of Exact Sciences
Classification: Benign. Review status: criteria provided, single submitter. Criteria: ACMG Guidelines, 2015. Collection method: clinical testing. Allele origin: germline.

Clinical Genetics DNA and cytogenetics Diagnostics Lab, Erasmus MC, Erasmus Medical Center
Classification: Benign. Review status: no assertion criteria provided. Collection method: clinical testing. Allele origin: germline. Affected: yes. Study: VKGL Data-share Consensus. Not counted in ClinVar's aggregate classification.

Clinical Genetics, Academic Medical Center
Classification: Benign. Review status: no assertion criteria provided. Collection method: clinical testing. Allele origin: germline. Affected: yes. Study: VKGL Data-share Consensus. Not counted in ClinVar's aggregate classification.

Genetic Services Laboratory, University of Chicago
Classification: Likely benign for AllHighlyPenetrant. Review status: no assertion criteria provided. Collection method: clinical testing. Allele origin: germline. Inheritance: Autosomal recessive inheritance. Not counted in ClinVar's aggregate classification.
Comment: Likely benign based on allele frequency in 1000 Genomes Project or ESP global frequency and its presence in a patient with a rare or unrelated disease phenotype. NOT Sanger confirmed.

Joint Genome Diagnostic Labs from Nijmegen and Maastricht, Radboudumc and MUMC+
Classification: Benign. Review status: no assertion criteria provided. Collection method: clinical testing. Allele origin: germline. Affected: yes. Study: VKGL Data-share Consensus. Not counted in ClinVar's aggregate classification.

Literature cited by the submitters: PubMed 18647264 (cited by Illumina Laboratory Services, Illumina); PubMed 15637732 (cited by Illumina Laboratory Services, Illumina).